The following is an entry in ClinVar:

ClinVar aggregate classification (germline): Uncertain significance. Review status: criteria provided, multiple submitters, no conflicts (2 of 4 stars). 3 submissions from 3 submitters: Uncertain significance (3). Last evaluated 2026-09-03.

Conditions:
Inborn genetic diseases. Identifiers: MedGen C0950123, MeSH D030342.
Intellectual developmental disorder, X-linked 99. Also called: Intellectual disability, X-linked 99. Identifiers: Orphanet 777, MedGen C3806746, MONDO:0010487, OMIM 300919.

gnomAD v4.1: 1 of 1,209,621 alleles (0.000083%); no homozygotes.

Submissions (3):

Ambry Genetics
Classification: Uncertain significance for Inborn genetic diseases. Last evaluated: 2026-09-03. Review status: criteria provided, single submitter. Criteria: Ambry Variant Classification Scheme 2023. Collection method: clinical testing. Allele origin: germline.
Comment: The c.3955T>G (p.L1319V) alteration is located in exon 26 (coding exon 25) of the USP9X gene. This alteration results from a T to G substitution at nucleotide position 3955, causing the leucine (L) at amino acid position 1319 to be replaced by a valine (V). This variant was not reported in population-based cohorts in the Genome Aggregation Database (gnomAD). This amino acid position is highly conserved in available vertebrate species. The in silico prediction for this alteration is inconclusive. Based on insufficient or conflicting evidence, the clinical significance of this alteration remains unclear.

Labcorp Genetics (formerly Invitae), Labcorp
Classification: Uncertain significance. Last evaluated: 2025-01-23. Review status: criteria provided, single submitter. Criteria: Invitae Variant Classification Sherloc (09022015). Collection method: clinical testing. Allele origin: germline.
Comment: This sequence change replaces leucine, which is neutral and non-polar, with valine, which is neutral and non-polar, at codon 1319 of the USP9X protein (p.Leu1319Val). This variant is not present in population databases (gnomAD no frequency). This variant has not been reported in the literature in individuals affected with USP9X-related conditions. ClinVar contains an entry for this variant (Variation ID: 1506831). An algorithm developed to predict the effect of missense changes on protein structure and function (PolyPhen-2) suggests that this variant is likely to be disruptive. In summary, the available evidence is currently insufficient to determine the role of this variant in disease. Therefore, it has been classified as a Variant of Uncertain Significance.

Illumina Laboratory Services, Illumina
Classification: Uncertain significance for Intellectual developmental disorder, X-linked 99. Last evaluated: 2023-08-09. Review status: criteria provided, single submitter. Criteria: ICSLVariantClassificationCriteria RUGD 01 April 2020. Collection method: clinical testing. Allele origin: unknown.
Comment: The USP9X c.3955T>G (p.Leu1319Val) missense variant has not, to our knowledge, been reported in the peer-reviewed literature. This variant is not observed in version 2.1.1 or version 3.1.2 of the Genome Aggregation Database. Based on the available evidence, the c.3955T>G (p.Leu1319Val) variant is classified as a variant of uncertain significance for X-linked intellectual developmental disorder.

NM_001039591.3(USP9X):c.3955T>G (p.Leu1319Val)

Gene: USP9X (ubiquitin specific peptidase 9 X-linked; plus strand). Cytogenetic location: Xp11.4.
Variant type: single nucleotide variant.
Coding change: c.3955T>G on transcript NM_001039591.3 (MANE Select); coding-DNA position 3955, T replaced by G.
Protein change: p.Leu1319Val; replaces leucine 1319 with valine.
Molecular consequence: missense variant.
Genome position (GRCh38, 1-based): chrX:41,189,453, T>G. VCF-style: chrX-41189453-T-G. GRCh37 (hg19) VCF-style: chrX-41048706-T-G.
Other names: c.3955T>G (NM_001039590.2); c.3955T>G, p.Leu1319Val (NM_001039590.3); short protein forms L1319V.
Identifiers: ClinVar variation 1506831 (VCV001506831.10), dbSNP rs1243922076, ClinGen allele CA412769111.
Genomic context (GRCh38, chrX:41,189,453, plus strand): 5'-ATTCCAACAGCCTTAGATGCTCTTAGTAAAGAAAAGGCTTGGCAGACATTCATCATTGAC[T>G]TACTATTGCACTGTCACAGCAAGTAAGTATCTTTTTTAATTGTAAGAAACTTACTTTTTG-3'
Protein context (NP_001034680.2, residues 1309-1329): EKAWQTFIID[Leu1319Val]LLHCHSKTVR